The following is an entry in ClinVar:

NM_001291303.3(FAT4):c.8920A>C (p.Asn2974His)

Gene: FAT4 (FAT atypical cadherin 4; plus strand). Cytogenetic location: 4q28.1.
Variant type: single nucleotide variant.
Coding change: c.8920A>C on transcript NM_001291303.3 (MANE Select); coding-DNA position 8920, A replaced by C.
Protein change: p.Asn2974His; replaces asparagine 2974 with histidine.
Molecular consequence: missense variant.
Genome position (GRCh38, 1-based): chr4:125,449,930, A>C. VCF-style: chr4-125449930-A-C. GRCh37 (hg19) VCF-style: chr4-126371085-A-C.
Other names: c.8914A>C (NM_024582.4); c.8920A>C, p.Asn2974His (NM_001291285.3); c.8914A>C, p.Asn2972His (NM_024582.6); short protein forms N2972H, N2974H.
Identifiers: ClinVar variation 1488452 (VCV001488452.8), dbSNP rs1205109272, ClinGen allele CA358148367.

ClinVar aggregate classification (germline): Uncertain significance. Review status: criteria provided, multiple submitters, no conflicts (2 of 4 stars). 2 submissions from 2 submitters: Uncertain significance (2). Last evaluated 2025-05-22.

Conditions:
Inborn genetic diseases. Identifiers: MedGen C0950123, MeSH D030342.

gnomAD v4.1: 11 of 1,613,762 alleles (0.00068%); highest among the groups gnomAD compares: Middle Eastern, 0.016%; no homozygotes.

Submissions (2):

Labcorp Genetics (formerly Invitae), Labcorp
Classification: Uncertain significance. Last evaluated: 2025-05-22. Review status: criteria provided, single submitter. Criteria: Invitae Variant Classification Sherloc (09022015). Collection method: clinical testing. Allele origin: germline.
Comment: This sequence change replaces asparagine, which is neutral and polar, with histidine, which is basic and polar, at codon 2972 of the FAT4 protein (p.Asn2972His). This variant is present in population databases (no rsID available, gnomAD 0.006%). This variant has not been reported in the literature in individuals affected with FAT4-related conditions. ClinVar contains an entry for this variant (Variation ID: 1488452). Invitae Evidence Modeling of protein sequence and biophysical properties (such as structural, functional, and spatial information, amino acid conservation, physicochemical variation, residue mobility, and thermodynamic stability) indicates that this missense variant is not expected to disrupt FAT4 protein function with a negative predictive value of 80%. In summary, the available evidence is currently insufficient to determine the role of this variant in disease. Therefore, it has been classified as a Variant of Uncertain Significance.

Ambry Genetics
Classification: Uncertain significance for Inborn genetic diseases. Last evaluated: 2022-05-04. Review status: criteria provided, single submitter. Criteria: Ambry Variant Classification Scheme 2023. Collection method: clinical testing. Allele origin: germline.